The following is an entry in ClinVar:

NM_198173.3(GRHL3):c.840+5G>A

Gene: GRHL3 (grainyhead like transcription factor 3; plus strand). Cytogenetic location: 1p36.11.
Variant type: single nucleotide variant.
Coding change: c.840+5G>A on transcript NM_198173.3 (MANE Select); 5 bases into the intron after coding-DNA position 840, G replaced by A.
Molecular consequence: intron variant.
Genome position (GRCh38, 1-based): chr1:24,337,794, G>A. VCF-style: chr1-24337794-G-A. GRCh37 (hg19) VCF-style: chr1-24664284-G-A.
Other names: c.840+5G>A (NM_198174.3); c.702+5G>A (NM_001195010.2); c.855+5G>A (NM_021180.4).
Identifiers: ClinVar variation 5002143 (VCV005002143.1).

ClinVar aggregate classification (germline): Uncertain significance (1 of 4 stars; one submission).

Conditions:
GRHL3-related disorder. Also called: GRHL3-related condition.

gnomAD v4.1: 10 of 1,614,012 alleles (0.00062%); highest among the groups gnomAD compares: Admixed American, 0.005%; no homozygotes.

Submission:

PreventionGenetics, part of Exact Sciences
Classification: Uncertain significance for GRHL3-related condition. Last evaluated: 2026-03-26. Review status: criteria provided, single submitter. Criteria: ACMG Guidelines, 2015. Collection method: clinical testing. Allele origin: germline.
Comment: The GRHL3 c.840+5G>A variant is predicted to interfere with splicing. Based on available splicing prediction programs (Alamut Visual v1.13; SpliceAI, Jaganathan et al. 2019. PubMed ID: 30661751), this variant is predicted to weaken the canonical splice donor site; however, the use of computer prediction programs is not equivalent to functional evidence. To our knowledge, this variant has not been reported in the literature or in a large population database (gnomAD), indicating this variant is rare. At this time, the clinical significance of this variant is uncertain due to the absence of conclusive functional and genetic evidence.